The following is an entry in ClinVar:

NM_000465.4(BARD1):c.840A>G (p.Leu280=)

Gene: BARD1 (BRCA1 associated RING domain 1; minus strand). Cytogenetic location: 2q35.
Variant type: single nucleotide variant.
Coding change: c.840A>G on transcript NM_000465.4 (MANE Select); coding-DNA position 840, A replaced by G.
Protein change: p.Leu280=; no amino-acid change (leucine 280 retained).
Molecular consequence: synonymous variant. On other transcripts: non-coding transcript variant (2), intron variant (3).
Genome position (GRCh38, 1-based): chr2:214,781,034, T>C on the plus strand (A>G on the coding strand, the complement: BARD1 is on the minus strand). VCF-style: chr2-214781034-T-C. GRCh37 (hg19) VCF-style: chr2-215645758-T-C.
Other names: c.783A>G, p.Leu261= (NM_001282543.2); c.158+28378A>G (NM_001282548.2); c.215+16027A>G (NM_001282545.2); c.364+11263A>G (NM_001282549.2).
Identifiers: ClinVar variation 1111003 (VCV001111003.13), dbSNP rs2106110219, ClinGen allele CA431391965.

ClinVar aggregate classification (germline): Benign/Likely benign. Review status: criteria provided, multiple submitters, no conflicts (2 of 4 stars). 3 submissions from 3 submitters: Benign (1); Likely benign (2). Last evaluated 2024-09-16.

Conditions:
Hereditary cancer-predisposing syndrome. Also called: Tumor predisposition; Hereditary Cancer Syndrome; Neoplastic Syndromes, Hereditary; Hereditary neoplastic syndrome. Identifiers: Orphanet 140162, MedGen C0027672, MeSH D009386, MONDO:0015356.
Familial cancer of breast. Also called: BREAST CANCER, FAMILIAL; Hereditary breast cancer; hereditary breast carcinoma. Identifiers: Orphanet 227535, MedGen C0346153, MONDO:0016419, OMIM 114480. Disease mechanism: loss of function.

Submissions (3):

Labcorp Genetics (formerly Invitae), Labcorp
Classification: Likely benign for Familial cancer of breast. Last evaluated: 2024-09-16. Review status: criteria provided, single submitter. Criteria: Invitae Variant Classification Sherloc (09022015). Collection method: clinical testing. Allele origin: germline.

Myriad Genetics, Inc.
Classification: Benign for Familial cancer of breast. Last evaluated: 2024-07-23. Review status: criteria provided, single submitter. Criteria: Myriad Autosomal Dominant, Autosomal Recessive and X-Linked Classification Criteria (2023). Collection method: clinical testing. Allele origin: unknown.
Comment: This variant is considered benign. This variant is a silent/synonymous amino acid change and it is not expected to impact splicing.

Ambry Genetics
Classification: Likely benign for Hereditary cancer-predisposing syndrome. Last evaluated: 2017-05-18. Review status: criteria provided, single submitter. Criteria: Ambry Variant Classification Scheme 2023. Collection method: clinical testing. Allele origin: germline.